The following is an entry in ClinVar:

ClinVar aggregate classification (germline): Uncertain significance (1 of 4 stars; one submission).

Submission:

Women's Health and Genetics/Laboratory Corporation of America, LabCorp
Classification: Uncertain significance. Last evaluated: 2025-01-30. Review status: criteria provided, single submitter. Criteria: LabCorp Variant Classification Summary - May 2015. Collection method: clinical testing. Allele origin: germline.
Comment: Variant summary: TTN c.31741+907C>A is located at a position not widely known to affect splicing. This variant corresponds to c.37771C>A, p.Pro12591Thr in NM_001267550. Consensus agreement among computation tools predict no significant impact on normal splicing. However, these predictions have yet to be confirmed by functional studies. The variant allele was found at a frequency of 9.8e-06 in 1424596 control chromosomes in the gnomAD database, including 1 homozygote. This frequency is not significantly higher than estimated for a pathogenic variant in TTN causing Dilated Cardiomyopathy (9.8e-06 vs 0.00039), allowing no conclusion about variant significance. To our knowledge, no occurrence of c.31741+907C>A in individuals affected with TTN-related conditions and no experimental evidence demonstrating its impact on protein function have been reported. ClinVar contains an entry for this variant (Variation ID: 3385127). Based on the evidence outlined above, the variant was classified as uncertain significance.

NM_001267550.2(TTN):c.37771C>A (p.Pro12591Thr)

Gene: TTN (titin; minus strand). Cytogenetic location: 2q31.2.
Variant type: single nucleotide variant.
Coding change: c.37771C>A on transcript NM_001267550.2 (MANE Select); coding-DNA position 37771, C replaced by A.
Protein change: p.Pro12591Thr; replaces proline 12591 with threonine.
Molecular consequence: missense variant. On other transcripts: intron variant (5).
Genome position (GRCh38, 1-based): chr2:178,658,098, G>T on the plus strand (C>A on the coding strand, the complement: TTN is on the minus strand). VCF-style: chr2-178658098-G-T. GRCh37 (hg19) VCF-style: chr2-179522825-G-T.
Other names: c.13283-15781C>A (NM_003319.4); c.13859-15781C>A (NM_133437.4); c.13658-15781C>A (NM_133432.3); c.31741+907C>A (NM_133378.4); c.34522+907C>A (NM_001256850.1); short protein forms P12591T.
Identifiers: ClinVar variation 3385127 (VCV003385127.3).